The following is an entry in ClinVar:

ClinVar aggregate classification (germline): Pathogenic (1 of 4 stars; one submission).

Submission:

GeneDx
Classification: Pathogenic. Last evaluated: 2018-05-29. Review status: criteria provided, single submitter. Criteria: GeneDx Variant Classification (06012015). Collection method: clinical testing. Allele origin: germline. Affected: yes.
Comment: The G1127C variant has not been published as a pathogenic variant, nor has it been reported as a benign variant to our knowledge. G1127C occurs in the triple helical domain and replaces the Glycine in the canonical Gly-X-Y repeat. Variants in these Glycines result in poor winding of the collagen triple helix and a less functional protein. The G1127C variant is not observed in large population cohorts (Lek et al., 2016). The G1127C variant is a non-conservative amino acid substitution, which is likely to impact secondary protein structure as these residues differ in polarity, charge, size and/or other properties. In-silico analyses, including protein predictors and evolutionary conservation, support a deleterious effect. Missense variants in nearby Glycine residues (G1124C, G1133A) have been reported in the Human Gene Mutation Database in association with COL1A1-related disorders (Stenson et al., 2014), supporting the functional importance of this region of the protein. We classify this variant as pathogenic.

NM_000088.4(COL1A1):c.3379G>T (p.Gly1127Cys)

Gene: COL1A1 (collagen type I alpha 1 chain; minus strand). Cytogenetic location: 17q21.33.
Variant type: single nucleotide variant.
Coding change: c.3379G>T on transcript NM_000088.4 (MANE Select); coding-DNA position 3379, G replaced by T.
Protein change: p.Gly1127Cys; replaces glycine 1127 with cysteine.
Molecular consequence: missense variant.
Genome position (GRCh38, 1-based): chr17:50,187,528, C>A on the plus strand (G>T on the coding strand, the complement: COL1A1 is on the minus strand). VCF-style: chr17-50187528-C-A. GRCh37 (hg19) VCF-style: chr17-48264889-C-A.
Other names: short protein forms G1127C.
Identifiers: ClinVar variation 546562 (VCV000546562.2), dbSNP rs1555572024, ClinGen allele CA400199366.